The following is an entry in ClinVar:

NM_005612.5(REST):c.2100A>T (p.Gln700His)

Gene: REST (RE1 silencing transcription factor; plus strand). Cytogenetic location: 4q12.
Variant type: single nucleotide variant.
Coding change: c.2100A>T on transcript NM_005612.5 (MANE Select); coding-DNA position 2100, A replaced by T.
Protein change: p.Gln700His; replaces glutamine 700 with histidine.
Molecular consequence: missense variant.
Genome position (GRCh38, 1-based): chr4:56,930,958, A>T. VCF-style: chr4-56930958-A-T. GRCh37 (hg19) VCF-style: chr4-57797124-A-T.
Other names: c.2100A>T, p.Gln700His (NM_001193508.2, NM_001363453.3); short protein forms Q700H.
Identifiers: ClinVar variation 3313685 (VCV003313685.2).

ClinVar aggregate classification (germline): Uncertain significance. Review status: criteria provided, multiple submitters, no conflicts (2 of 4 stars). 2 submissions from 2 submitters: Uncertain significance (2). Last evaluated 2025-03-30.

Conditions:
Inborn genetic diseases. Identifiers: MedGen C0950123, MeSH D030342.

gnomAD v4.1: 10 of 1,610,756 alleles (0.00062%); highest among the groups gnomAD compares: African/African-American, 0.014%; no homozygotes.

Submissions (2):

Labcorp Genetics (formerly Invitae), Labcorp
Classification: Uncertain significance. Last evaluated: 2025-03-30. Review status: criteria provided, single submitter. Criteria: Invitae Variant Classification Sherloc (09022015). Collection method: clinical testing. Allele origin: germline.
Comment: This sequence change replaces glutamine, which is neutral and polar, with histidine, which is basic and polar, at codon 700 of the REST protein (p.Gln700His). This variant is present in population databases (rs374016428, gnomAD 0.02%). This variant has not been reported in the literature in individuals affected with REST-related conditions. ClinVar contains an entry for this variant (Variation ID: 3313685). An algorithm developed to predict the effect of missense changes on protein structure and function (PolyPhen-2) suggests that this variant is likely to be tolerated. In summary, the available evidence is currently insufficient to determine the role of this variant in disease. Therefore, it has been classified as a Variant of Uncertain Significance.

Ambry Genetics
Classification: Uncertain significance for Inborn genetic diseases. Last evaluated: 2024-06-03. Review status: criteria provided, single submitter. Criteria: Ambry Variant Classification Scheme 2023. Collection method: clinical testing. Allele origin: germline.